The following is an entry in ClinVar:

ClinVar aggregate classification (germline): Uncertain significance (1 of 4 stars; one submission).

Conditions:
Acute myeloid leukemia (AML). Also called: Acute myeloid leukemia, adult; AML adult; Acute non-lymphocytic leukemia; Acute granulocytic leukemia; Leukemia, acute myeloid, somatic; Leukemia, acute myelogenous, somatic. Identifiers: Orphanet 519, MedGen C0023467, MeSH D015470, MONDO:0018874, OMIM 601626, HP:0004808. Disease mechanism: Constitutively activated FLT3.

Submission:

Labcorp Genetics (formerly Invitae), Labcorp
Classification: Uncertain significance for Acute myeloid leukemia. Last evaluated: 2025-05-13. Review status: criteria provided, single submitter. Criteria: Invitae Variant Classification Sherloc (09022015). Collection method: clinical testing. Allele origin: germline.
Comment: This sequence change affects codon 65 of the CEBPA mRNA. It is a 'silent' change, meaning that it does not change the encoded amino acid sequence of the CEBPA protein. This variant is not present in population databases (gnomAD no frequency). This variant has not been reported in the literature in individuals affected with CEBPA-related conditions. ClinVar contains an entry for this variant (Variation ID: 3669391). In summary, the available evidence is currently insufficient to determine the role of this variant in disease. Therefore, it has been classified as a Variant of Uncertain Significance.

NM_004364.5(CEBPA):c.195C>T (p.Ser65=)

Gene: CEBPA (CCAAT enhancer binding protein alpha; minus strand). Cytogenetic location: 19q13.11.
Variant type: single nucleotide variant.
Coding change: c.195C>T on transcript NM_004364.5 (MANE Select); coding-DNA position 195, C replaced by T.
Protein change: p.Ser65=; no amino-acid change (serine 65 retained).
Molecular consequence: synonymous variant. On other transcripts: 5 prime UTR variant (1).
Genome position (GRCh38, 1-based): chr19:33,302,220, G>A on the plus strand (C>T on the coding strand, the complement: CEBPA is on the minus strand). VCF-style: chr19-33302220-G-A. GRCh37 (hg19) VCF-style: chr19-33793126-G-A.
Other names: c.-163C>T (NM_001285829.2); c.300C>T, p.Ser100= (NM_001287424.2); c.153C>T, p.Ser51= (NM_001287435.2).
Identifiers: ClinVar variation 3669391 (VCV003669391.2).